The following is an entry in ClinVar:

ClinVar aggregate classification (germline): Benign/Likely benign. Review status: criteria provided, multiple submitters, no conflicts (2 of 4 stars). 3 submissions from 3 submitters: Benign (1); Likely benign (2). Last evaluated 2024-11-05.

Conditions:
Epilepsy, progressive myoclonic, 1B. Also called: PME. Identifiers: Orphanet 308, MedGen C2676254, MONDO:0012904, OMIM 612437.

Allele frequency attached by ClinVar (database versions not stated): ExAC 0.00006; gnomAD 0.00010 and 0.00011; gnomAD exomes 0.00010; TOPMed 0.00012.
gnomAD v4.1: 167 of 1,614,020 alleles (0.01%); highest among the groups gnomAD compares: Non-Finnish European, 0.01%; no homozygotes.

Submissions (3):

Labcorp Genetics (formerly Invitae), Labcorp
Classification: Likely benign for Epilepsy, progressive myoclonic, 1B. Last evaluated: 2024-11-05. Review status: criteria provided, single submitter. Criteria: Invitae Variant Classification Sherloc (09022015). Collection method: clinical testing. Allele origin: germline.

Blueprint Genetics
Classification: Likely benign. Last evaluated: 2024-05-20. Review status: criteria provided, single submitter. Criteria: ACMG Guidelines, 2015. Collection method: clinical testing. Allele origin: germline.

GeneDx
Classification: Benign. Last evaluated: 2013-09-25. Review status: criteria provided, single submitter. Criteria: GeneDx Variant Classification (06012015). Collection method: clinical testing. Allele origin: germline. Affected: yes.
Comment: This variant is considered likely benign or benign based on one or more of the following criteria: it is a conservative change, it occurs at a poorly conserved position in the protein, it is predicted to be benign by multiple in silico algorithms, and/or has population frequency not consistent with disease.

NM_153026.3(PRICKLE1):c.471C>T (p.Val157=)

Gene: PRICKLE1 (prickle planar cell polarity protein 1; minus strand). Cytogenetic location: 12q12.
Variant type: single nucleotide variant.
Coding change: c.471C>T on transcript NM_153026.3 (MANE Select); coding-DNA position 471, C replaced by T.
Protein change: p.Val157=; no amino-acid change (valine 157 retained).
Molecular consequence: synonymous variant.
Genome position (GRCh38, 1-based): chr12:42,468,743, G>A on the plus strand (C>T on the coding strand, the complement: PRICKLE1 is on the minus strand). VCF-style: chr12-42468743-G-A. GRCh37 (hg19) VCF-style: chr12-42862545-G-A.
Other names: p.V157V:GTC>GTT; c.471C>T, p.Val157= (NM_001144881.2, NM_001144882.2, NM_001144883.2).
Identifiers: ClinVar variation 138804 (VCV000138804.12), dbSNP rs201613485, ClinGen allele CA292911.
Genomic context (GRCh38, chr12:42,468,743, plus strand): 5'-AATTTTTCCATCCTGATAAAAATAGATGAGGTCGACCAGCAGCTCATTACACGTGAAACA[G>A]ACAAAACAGGATGGGTGCCAGCACACACCAGGGCCCGCACGGGAGGCGAACACTGCAACT-3'
Protein context (NP_694571.2, residues 147-167): PGVCWHPSCF[Val157=]CFTCNELLVD